The following is an entry in ClinVar:

NM_130849.4(SLC39A4):c.751= (p.Arg251=)

Gene: SLC39A4 (solute carrier family 39 member 4; minus strand). Cytogenetic location: 8q24.3.
Variant type: single nucleotide variant.
Coding change: c.751= on transcript NM_130849.4 (MANE Select); coding-DNA position 751, no change from the reference sequence.
Protein change: p.Arg251=; no amino-acid change (arginine 251 retained).
Molecular consequence: no sequence alteration.
Genome position: GRCh38 VCF-style: chr8-144415027-G-G. GRCh37 (hg19) VCF-style: chr8-145640411-A-G.
Other names: c.676=, p.Arg226= (NM_017767.3).
Identifiers: ClinVar variation 403459 (VCV000403459.20), dbSNP rs2977838.

ClinVar aggregate classification (germline): Benign. Review status: criteria provided, multiple submitters, no conflicts (2 of 4 stars). 7 submissions from 7 submitters: Benign (5). 2 of the submissions do not count toward it. Last evaluated 2026-02-04.

Conditions:
Hereditary acrodermatitis enteropathica (AEZ). Also called: Acrodermatitis enteropathica. Identifiers: Orphanet 37, MedGen C0221036, MONDO:0008713, OMIM 201100.

Allele frequency attached by ClinVar (database versions not stated): gnomAD exomes 0.95476; gnomAD 0.96739 and 0.96827; TOPMed 0.97243; 1000 Genomes Project 30x 0.98454.

Submissions (7):

Labcorp Genetics (formerly Invitae), Labcorp
Classification: Benign. Last evaluated: 2026-02-04. Review status: criteria provided, single submitter. Criteria: Invitae Variant Classification Sherloc (09022015). Collection method: clinical testing. Allele origin: germline.

Blueprint Genetics
Classification: Benign. Last evaluated: 2024-11-27. Review status: criteria provided, single submitter. Criteria: ACMG Guidelines, 2015. Collection method: clinical testing. Allele origin: germline.

Genome-Nilou Lab
Classification: Benign for Hereditary acrodermatitis enteropathica. Last evaluated: 2021-07-10. Review status: criteria provided, single submitter. Criteria: ACMG Guidelines, 2015. Collection method: clinical testing. Allele origin: germline. Affected: no.

Laboratory for Molecular Medicine, Mass General Brigham Personalized Medicine
Classification: Benign. Last evaluated: 2016-03-29. Review status: criteria provided, single submitter. Criteria: LMM Criteria. Collection method: clinical testing. Allele origin: germline.
Comment: Variant identified in a genome or exome case(s) and assessed due to predicted null impact of the variant or pathogenic assertions in the literature or databases. Disclaimer: This variant has not undergone full assessment. The following are preliminary notes: MAF

Breakthrough Genomics
Classification: Benign. Review status: criteria provided, single submitter. Criteria: ACMG Guidelines, 2015. Collection method: not provided. Allele origin: germline. Inheritance: Autosomal recessive inheritance. Affected: yes.

Diagnostic Laboratory, Department of Genetics, University Medical Center Groningen
Classification: Benign. Review status: no assertion criteria provided. Collection method: clinical testing. Allele origin: germline. Affected: yes. Study: VKGL Data-share Consensus. Not counted in ClinVar's aggregate classification.

Genome Diagnostics Laboratory, University Medical Center Utrecht
Classification: Benign. Review status: no assertion criteria provided. Collection method: clinical testing. Allele origin: germline. Affected: yes. Study: VKGL Data-share Consensus. Not counted in ClinVar's aggregate classification.